The following is an entry in ClinVar:

NM_000486.6(AQP2):c.398_399del (p.Val133fs)

Genes: AQP2 (aquaporin 2; plus strand), AQP5-AS1 (AQP5 and AQP2 antisense RNA 2; minus strand). Cytogenetic location: 12q13.12.
Variant type: Microsatellite.
Coding change: c.398_399del on transcript NM_000486.6 (MANE Select); coding-DNA positions 398 to 399, 2 bases deleted (TG; older notation c.398_399delTG).
Protein change: p.Val133fs; shifts the reading frame from valine 133.
Molecular consequence: frameshift variant. On other transcripts: non-coding transcript variant (1).
Genome position (GRCh38, 1-based): chr12:49,954,192-49,954,193, TG deleted; deleting any 2 consecutive bases within chr12:49,954,190-49,954,193 gives the same sequence; the c. name uses the placement nearest the transcript's 3' end. VCF-style (leftmost placement, unchanged base first): chr12-49954189-CTG-C. GRCh37 (hg19) VCF-style: chr12-50347972-CTG-C.
Other names: short protein forms V133fs.
Identifiers: ClinVar variation 2045823 (VCV002045823.4), dbSNP rs2547998083, ClinGen allele CA2580615260.
Genomic context (GRCh38, chr12:49,954,189, plus strand): 5'-CCTACCCGCCTCTTCTCTGTCCCCAGCTCAGCAACAGCACGACGGCTGGCCAGGCGGTGA[CTG>C]TGGAGCTCTTCCTGACACTGCAGCTGGTGCTCTGCATCTTCGCCTCCACCGATGAGCGCC-3'

ClinVar aggregate classification (germline): Pathogenic (1 of 4 stars; one submission).

Submission:

Labcorp Genetics (formerly Invitae), Labcorp
Classification: Pathogenic. Last evaluated: 2021-12-18. Review status: criteria provided, single submitter. Criteria: Invitae Variant Classification Sherloc (09022015). Collection method: clinical testing. Allele origin: germline.
Comment: This variant is not present in population databases (gnomAD no frequency). This sequence change creates a premature translational stop signal (p.Val133Glyfs*18) in the AQP2 gene. It is expected to result in an absent or disrupted protein product. Loss-of-function variants in AQP2 are known to be pathogenic (PMID: 9024277, 27156763). This variant has not been reported in the literature in individuals affected with AQP2-related conditions. For these reasons, this variant has been classified as Pathogenic.

Literature cited by the submitters: PubMed 9024277; PubMed 27156763.